The following is an entry in ClinVar:

NM_024301.5(FKRP):c.562G>A (p.Ala188Thr)

Gene: FKRP (fukutin related protein; plus strand). Cytogenetic location: 19q13.32.
Variant type: single nucleotide variant.
Coding change: c.562G>A on transcript NM_024301.5 (MANE Select); coding-DNA position 562, G replaced by A.
Protein change: p.Ala188Thr; replaces alanine 188 with threonine.
Molecular consequence: missense variant.
Genome position (GRCh38, 1-based): chr19:46,756,012, G>A. VCF-style: chr19-46756012-G-A. GRCh37 (hg19) VCF-style: chr19-47259269-G-A.
Other names: c.562G>A, p.Ala188Thr (NM_001039885.3); short protein forms A188T.
Identifiers: ClinVar variation 502195 (VCV000502195.41), dbSNP rs746905689, ClinGen allele CA9532169.
Genomic context (GRCh38, chr19:46,756,012, plus strand): 5'-TGCCTGGCCCTGAACGTCAGCCTGCGAGAGTGGACCGCCCGCTATGGCGCAGCCCCCGCC[G>A]CGCCCCGCTGCGACGCCCTGGACGGAGATGCTGTGGTGCTCCTGCGCGCCCGCGACCTCT-3'
Protein context (NP_077277.1, residues 178-198): WTARYGAAPA[Ala188Thr]PRCDALDGDA

ClinVar aggregate classification (germline): Uncertain significance. Review status: criteria provided, multiple submitters, no conflicts (2 of 4 stars). 8 submissions from 8 submitters: Uncertain significance (7). 1 of the submissions does not count toward it. Last evaluated 2025-10-19.

Conditions:
Walker-Warburg congenital muscular dystrophy. Also called: Muscular dystrophy-dystroglycanopathy, type A; Walker-Warburg syndrome. Identifiers: Orphanet 899, MedGen C0265221, MONDO:0000171.
Cardiovascular phenotype. Identifiers: MedGen CN230736.
Muscular dystrophy-dystroglycanopathy (congenital with brain and eye anomalies), type A5. Also called: MUSCULAR DYSTROPHY-DYSTROGLYCANOPATHY (CONGENITAL WITH BRAIN AND EYE ANOMALIES), TYPE A, 5; WALKER-WARBURG SYNDROME OR MUSCLE-EYE-BRAIN DISEASE, FKRP-RELATED. Identifiers: Orphanet 588, Orphanet 899, MedGen C3150413, MONDO:0013157, OMIM 613153.
Muscular dystrophy-dystroglycanopathy type B5 (MDDGB5). Also called: MUSCULAR DYSTROPHY-DYSTROGLYCANOPATHY (CONGENITAL WITH OR WITHOUT IMPAIRED INTELLECTUAL DEVELOPMENT), TYPE B, 5; MUSCULAR DYSTROPHY, CONGENITAL, 1C; MUSCULAR DYSTROPHY, CONGENITAL, FKRP-RELATED. Identifiers: MedGen C1847759, MONDO:0011688, OMIM 606612.
Autosomal recessive limb-girdle muscular dystrophy type 2I. Also called: MUSCULAR DYSTROPHY-DYSTROGLYCANOPATHY (LIMB-GIRDLE), TYPE C, 5; MUSCULAR DYSTROPHY-DYSTROGLYCANOPATHY, LIMB-GIRDLE, FRKP-RELATED; MUSCULAR DYSTROPHY, LIMB-GIRDLE, TYPE 2I. Identifiers: Orphanet 34515, MedGen C1846672, MONDO:0011787, OMIM 607155.

Allele frequency attached by ClinVar (database versions not stated): gnomAD exomes 0.00002 and 0.00009; gnomAD 0.00005 and 0.00006; TOPMed 0.00005; ExAC 0.00008.

Submissions (8):

GeneDx
Classification: Uncertain significance. Last evaluated: 2025-10-19. Review status: criteria provided, single submitter. Criteria: GeneDx Variant Classification Process June 2021. Collection method: clinical testing. Allele origin: germline. Affected: yes.
Comment: Has not been previously published as pathogenic or benign to our knowledge; In silico analysis suggests that this missense variant does not alter protein structure/function; Missense variants in this gene are a common cause of disease and they are underrepresented in the general population; This variant is associated with the following publications: (PMID: 27439679)

Ambry Genetics
Classification: Uncertain significance for Cardiovascular phenotype. Last evaluated: 2025-07-15. Review status: criteria provided, single submitter. Criteria: Ambry Variant Classification Scheme 2023. Collection method: clinical testing. Allele origin: germline.

Fulgent Genetics
Classification: Uncertain significance for Muscular dystrophy-dystroglycanopathy type B5; Autosomal recessive limb-girdle muscular dystrophy type 2I; Muscular dystrophy-dystroglycanopathy (congenital with brain and eye anomalies), type A5. Last evaluated: 2024-04-18. Review status: criteria provided, single submitter. Criteria: ACMG Guidelines, 2015. Collection method: clinical testing. Allele origin: germline.

CeGaT Center for Human Genetics Tuebingen
Classification: Uncertain significance. Last evaluated: 2023-08-01. Review status: criteria provided, single submitter. Criteria: CeGaT Center For Human Genetics Tuebingen Variant Classification Criteria Version 2. Collection method: clinical testing. Allele origin: germline. Affected: yes. Observed: 1 variant allele.
Comment: FKRP: PM2, PM3, PP3

Labcorp Genetics (formerly Invitae), Labcorp
Classification: Uncertain significance for Walker-Warburg congenital muscular dystrophy. Last evaluated: 2022-10-24. Review status: criteria provided, single submitter. Criteria: Invitae Variant Classification Sherloc (09022015). Collection method: clinical testing. Allele origin: germline.
Comment: This sequence change replaces alanine, which is neutral and non-polar, with threonine, which is neutral and polar, at codon 188 of the FKRP protein (p.Ala188Thr). The frequency data for this variant in the population databases is considered unreliable, as metrics indicate poor data quality at this position in the gnomAD database. This variant has not been reported in the literature in individuals affected with FKRP-related conditions. ClinVar contains an entry for this variant (Variation ID: 502195). Advanced modeling of protein sequence and biophysical properties (such as structural, functional, and spatial information, amino acid conservation, physicochemical variation, residue mobility, and thermodynamic stability) performed at Invitae indicates that this missense variant is not expected to disrupt FKRP protein function. In summary, the available evidence is currently insufficient to determine the role of this variant in disease. Therefore, it has been classified as a Variant of Uncertain Significance.

Athena Diagnostics
Classification: Uncertain significance. Last evaluated: 2018-05-23. Review status: criteria provided, single submitter. Criteria: Athena Diagnostics Criteria. Collection method: clinical testing. Allele origin: germline.

Eurofins Ntd Llc (ga)
Classification: Uncertain significance. Last evaluated: 2017-05-24. Review status: criteria provided, single submitter. Criteria: EGL Classification Definitions 2015. Collection method: clinical testing. Allele origin: germline. Observed: 1 variant allele, 1 heterozygote.

Natera, Inc.
Classification: Uncertain significance for Limb-girdle muscular dystrophy type 2I. Last evaluated: 2020-09-16. Review status: no assertion criteria provided. Collection method: clinical testing. Allele origin: germline. Not counted in ClinVar's aggregate classification.